The following is an entry in ClinVar:

NM_000169.3(GLA):c.117G>T (p.Thr39=)

Genes: GLA (galactosidase alpha; minus strand), RPL36A-HNRNPH2 (RPL36A-HNRNPH2 readthrough; plus strand). Cytogenetic location: Xq22.1.
Variant type: single nucleotide variant.
Coding change: c.117G>T on transcript NM_000169.3 (MANE Select); coding-DNA position 117, G replaced by T.
Protein change: p.Thr39=; no amino-acid change (threonine 39 retained).
Molecular consequence: synonymous variant. On other transcripts: non-coding transcript variant (3), intron variant (2).
Genome position (GRCh38, 1-based): chrX:101,407,787, C>A on the plus strand (G>T on the coding strand, the complement: GLA is on the minus strand). VCF-style: chrX-101407787-C-A. GRCh37 (hg19) VCF-style: chrX-100662775-C-A.
Other names: c.117G>T, p.Thr39= (NM_001406747.1, NM_001406748.1, NM_001406749.1); c.301-4149C>A (NM_001199973.2); c.178-4149C>A (NM_001199974.2).
Identifiers: ClinVar variation 4974829 (VCV004974829.1).

ClinVar aggregate classification (germline): Likely benign (1 of 4 stars; one submission).

Conditions:
Fabry disease. Also called: Fabry's disease; ALPHA-GALACTOSIDASE A DEFICIENCY; ANDERSON-FABRY DISEASE; CERAMIDE TRIHEXOSIDASE DEFICIENCY; GLA DEFICIENCY; HEREDITARY DYSTOPIC LIPIDOSIS. Identifiers: Orphanet 324, MedGen C0002986, MONDO:0010526, OMIM 301500, HP:0001071. Disease mechanism: Fabry disease is due to inactivating mutations in the X-linked GLA gene resulting in deficiency of the enzyme Alpha Galactosidase-A., loss of function.

Submission:

Genomenon, Inc
Classification: Likely benign for Fabry disease. Last evaluated: 2026-09-08. Review status: criteria provided, single submitter. Criteria: Genomenon Sequence Variant Interpretation Standards - Updated. Collection method: curation. Allele origin: germline. Affected: no.
Comment: GLA c.117G>T is a synonymous variant that retains Threonine at codon 39. This variant has been reported in the published literature (PMID:9452111). It is absent or not present at a significant frequency in gnomAD. This variant is not predicted to impact splicing. In conclusion, we classify GLA p.Thr39= (c.117G>T) as a likely benign variant.

Literature cited by the submitters: PubMed 9452111.